The following is an entry in ClinVar:

NM_000287.4(PEX6):c.821C>T (p.Pro274Leu)

Gene: PEX6 (peroxisomal biogenesis factor 6; minus strand). Cytogenetic location: 6p21.1.
Variant type: single nucleotide variant.
Coding change: c.821C>T on transcript NM_000287.4 (MANE Select); coding-DNA position 821, C replaced by T.
Protein change: p.Pro274Leu; replaces proline 274 with leucine.
Molecular consequence: missense variant. On other transcripts: non-coding transcript variant (1), intron variant (1).
Genome position (GRCh38, 1-based): chr6:42,978,330, G>A on the plus strand (C>T on the coding strand, the complement: PEX6 is on the minus strand). VCF-style: chr6-42978330-G-A. GRCh37 (hg19) VCF-style: chr6-42946068-G-A.
Other names: c.618+203C>T (NM_001316313.2); short protein forms P274L.
Identifiers: ClinVar variation 217424 (VCV000217424.25), dbSNP rs61753219, ClinGen allele CA210642.

ClinVar aggregate classification (germline): Pathogenic/Likely pathogenic. Review status: criteria provided, multiple submitters, no conflicts (2 of 4 stars). 14 submissions from 14 submitters: Pathogenic (8); Likely pathogenic (3). 3 of the submissions do not count toward it. Last evaluated 2025-07-02.

Conditions:
PEX6-related disorder. Also called: PEX6-related condition; PEX6-related disorders.
Zellweger spectrum disorders (ZS). Also called: Zellweger Spectrum Disorder; Zellweger Spectrum; Zellweger Spectrum Disorder (ZSD); Zellweger syndrome. Identifiers: Orphanet 912, MedGen C0043459, MONDO:0019609.
Inborn genetic diseases. Identifiers: MedGen C0950123, MeSH D030342.
Heimler syndrome 2 (HMLR2). Also called: PEROXISOME BIOGENESIS DISORDER 4C. Identifiers: Orphanet 3220, MedGen C4225267, OMIM 616617, MONDO:0014709.
Peroxisome biogenesis disorder 4A (Zellweger) (PBD4A). Also called: Zellweger syndrome spectrum (PEX6-related). Identifiers: Orphanet 912, MedGen C3553936, MONDO:0013930, OMIM 614862. Disease mechanism: loss of function.
Peroxisome biogenesis disorder 4B (PBD4B). Also called: SPINOCEREBELLAR ATAXIA WITH BLINDNESS AND DEAFNESS 1. Identifiers: Orphanet 44, Orphanet 95433, MedGen C3553937, MONDO:0013931, OMIM 614863.
Peroxisome biogenesis disorder. Identifiers: Orphanet 79189, MedGen C1832200, MONDO:0019234. Disease mechanism: loss of function.

Allele frequency attached by ClinVar (database versions not stated): ExAC 0.00002; TOPMed 0.00002; gnomAD 0.00003; gnomAD exomes 0.00004 and 0.00008.
gnomAD v4.1: 123 of 1,614,108 alleles (0.0076%); highest among the groups gnomAD compares: Non-Finnish European, 0.0097%; no homozygotes.

Submissions (14):

Natera, Inc.
Classification: Likely pathogenic for Zellweger syndrome. Last evaluated: 2025-07-02. Review status: criteria provided, single submitter. Criteria: Natera Variant Classification Schema (03/2026). Collection method: clinical testing. Allele origin: germline.
Comment: The c.821C>T variant in PEX6 is a missense variant predicted to cause substitution of proline to leucine at amino acid 274. This variant is rare in the general population with a frequency below the threshold expected for the associated phenotype(s). This variant has been observed in one or more individuals affected with the associated recessive disease, as either homozygous or compound heterozygous with a second variant (PMID: 20872098, 19877282, 15542397, 26387595). Additionally, this variant has been observed to segregate in affected family members (PMID: 26387595). This variant has been identified in one or more affected individuals with a phenotype highly consistent with the associated gene (PMID:26387595). Given the available evidence, this variant is classified as Likely Pathogenic.

Labcorp Genetics (formerly Invitae), Labcorp
Classification: Pathogenic for Peroxisome biogenesis disorder. Last evaluated: 2025-04-10. Review status: criteria provided, single submitter. Criteria: Invitae Variant Classification Sherloc (09022015). Collection method: clinical testing. Allele origin: germline.
Comment: This sequence change replaces proline, which is neutral and non-polar, with leucine, which is neutral and non-polar, at codon 274 of the PEX6 protein (p.Pro274Leu). This variant is present in population databases (rs61753219, gnomAD 0.008%). This missense change has been observed in individual(s) with Zellweger Syndrome Spectrum (PMID: 15542397, 19877282, 24016303, 26387595). In at least one individual the data is consistent with being in trans (on the opposite chromosome) from a pathogenic variant. It has also been observed to segregate with disease in related individuals. ClinVar contains an entry for this variant (Variation ID: 217424). Invitae Evidence Modeling of protein sequence and biophysical properties (such as structural, functional, and spatial information, amino acid conservation, physicochemical variation, residue mobility, and thermodynamic stability) has been performed for this missense variant. However, the output from this modeling did not meet the statistical confidence thresholds required to predict the impact of this variant on PEX6 protein function. Experimental studies have shown that this missense change affects PEX6 function (PMID: 26387595, 29220678). For these reasons, this variant has been classified as Pathogenic.

Baylor Genetics
Classification: Pathogenic for Heimler syndrome 2. Last evaluated: 2024-03-26. Review status: criteria provided, single submitter. Criteria: ACMG Guidelines, 2015. Collection method: clinical testing. Allele origin: unknown.

Fulgent Genetics
Classification: Likely pathogenic for Peroxisome biogenesis disorder 4A (Zellweger); Peroxisome biogenesis disorder 4B; Heimler syndrome 2. Last evaluated: 2024-03-22. Review status: criteria provided, single submitter. Criteria: ACMG Guidelines, 2015. Collection method: clinical testing. Allele origin: germline.

Blueprint Genetics
Classification: Pathogenic for PEX6-related disorders. Last evaluated: 2023-12-08. Review status: criteria provided, single submitter. Criteria: ACMG Guidelines, 2015. Collection method: clinical testing. Allele origin: germline. Affected: yes. Observed: 5 variant alleles.

Department of Pathology and Laboratory Medicine, Sinai Health System
Classification: Pathogenic for Peroxisome biogenesis disorder 4A (Zellweger); Peroxisome biogenesis disorder 4B; Heimler syndrome 2. Last evaluated: 2022-09-22. Review status: criteria provided, single submitter. Criteria: ACMG Guidelines, 2015. Collection method: research. Allele origin: germline.

GeneDx
Classification: Pathogenic. Last evaluated: 2021-07-26. Review status: criteria provided, single submitter. Criteria: GeneDx Variant Classification Process June 2021. Collection method: clinical testing. Allele origin: germline. Affected: yes.
Comment: Complementation assays demonstrate P274L could only minimally complement peroxisomal biogenesis, indicating P274L protein is functionally defective (Ratbi et al., 2015); Not observed at significant frequency in large population cohorts (gnomAD); In silico analysis supports that this missense variant has a deleterious effect on protein structure/function; This variant is associated with the following publications: (PMID: 26387595, 24016303, 19877282, 15542397, 20872098, 19105186)

Women's Health and Genetics/Laboratory Corporation of America, LabCorp
Classification: Pathogenic for Peroxisome biogenesis disorders, Zellweger syndrome spectrum. Last evaluated: 2019-07-11. Review status: criteria provided, single submitter. Criteria: LabCorp Variant Classification Summary - May 2015. Collection method: clinical testing. Allele origin: germline.
Comment: Variant summary: PEX6 c.821C>T (p.Pro274Leu) results in a non-conservative amino acid change in the encoded protein sequence. Three of five in-silico tools predict a benign effect of the variant on protein function. The variant allele was found at a frequency of 3.6e-05 in 251460 control chromosomes. c.821C>T has been reported in the literature in multiple individuals affected with Zellweger Syndrome (Steinberg_2004,Ebberink_2010) and Heimler Syndrome (Ratbi_2015). These data indicate that the variant is very likely to be associated with disease. Several publications report experimental evidence evaluating an impact on protein function (Ratbi_2015, Falkenberg_2017). The most pronounced variant effect results in <10% of normal peroxisomal activity. Four ClinVar submissions (evaluation after 2014) cite the variant as likely pathogenic/pathogenic. Based on the evidence outlined above, the variant was classified as pathogenic.

CENTOGENE GmbH and LLC - Guiding Precision Medicine
Classification: Pathogenic for Peroxisome biogenesis disorder 4A (Zellweger). Last evaluated: 2019-06-20. Review status: criteria provided, single submitter. Criteria: ACMG Guidelines, 2015. Collection method: clinical testing. Allele origin: germline. Affected: no.

Undiagnosed Diseases Network, NIH
Classification: Likely pathogenic for Peroxisome biogenesis disorder 4B. Last evaluated: 2018-09-06. Review status: criteria provided, single submitter. Criteria: ACMG Guidelines, 2015. Collection method: clinical testing. Allele origin: maternal. Inheritance: Autosomal recessive inheritance. Affected: yes. Observed: 1 variant allele, 1 compound heterozygote.

Ambry Genetics
Classification: Pathogenic for Inborn genetic diseases. Last evaluated: 2015-10-01. Review status: criteria provided, single submitter. Criteria: Ambry exome assertion method (8-5-2015). Collection method: clinical testing. Allele origin: germline. Affected: yes. Observed: 1 variant allele.

PreventionGenetics, part of Exact Sciences
Classification: Pathogenic for PEX6-related condition. Last evaluated: 2024-06-11. Review status: no assertion criteria provided. Collection method: clinical testing. Allele origin: germline. Not counted in ClinVar's aggregate classification.
Comment: The PEX6 c.821C>T variant is predicted to result in the amino acid substitution p.Pro274Leu. This variant has been reported in the homozygous and compound heterozygous state in individuals with peroxisome biogenesis disorder (Table 4, Steinberg et al. 2004. PubMed ID: 15542397; Table 2, Ratbi et al. 2015. PubMed ID: 26387595; Table 1, Yik et al. 2009. PubMed ID: 19105186; Supplemental Table 2, Ebberink et al. 2010. PubMed ID: 19877282). This variant is reported in 0.0079% of alleles in individuals of European (Non-Finnish) descent in gnomAD. This variant is interpreted as pathogenic.

Counsyl
Classification: Likely pathogenic for Peroxisome biogenesis disorder 4A (Zellweger); Peroxisome biogenesis disorder 4B. Last evaluated: 2017-04-12. Review status: no assertion criteria provided. Collection method: clinical testing. Allele origin: unknown. Not counted in ClinVar's aggregate classification.

OMIM
Classification: Pathogenic for HEIMLER SYNDROME 2. Last evaluated: 2015-10-01. Review status: no assertion criteria provided. Collection method: literature only. Allele origin: germline. Not counted in ClinVar's aggregate classification.

Literature cited by the submitters: PubMed 20872098 (cited by Natera, Inc.); PubMed 19877282 (cited by 4 submitters); PubMed 15542397 (cited by 5 submitters); PubMed 26387595 (cited by 4 submitters); PubMed 24016303 (cited by 3 submitters); PubMed 29220678 (cited by Labcorp Genetics (formerly Invitae), Labcorp and Women's Health and Genetics/Laboratory Corporation of America, LabCorp); PubMed 19105186 (cited by Women's Health and Genetics/Laboratory Corporation of America, LabCorp).